The following is an entry in ClinVar:

NM_005670.4(EPM2A):c.150G>A (p.Gly50=)

Genes: EPM2A (EPM2A glucan phosphatase, laforin; minus strand), EPM2A-DT (EPM2A divergent transcript; plus strand), LOC129997381 (ATAC-STARR-seq lymphoblastoid silent region 17642; plus strand). Cytogenetic location: 6q24.3.
Variant type: single nucleotide variant.
Coding change: c.150G>A on transcript NM_005670.4 (MANE Select); coding-DNA position 150, G replaced by A.
Protein change: p.Gly50=; no amino-acid change (glycine 50 retained).
Molecular consequence: synonymous variant. On other transcripts: 5 prime UTR variant (3), intron variant (1).
Genome position (GRCh38, 1-based): chr6:145,735,349, C>T on the plus strand (G>A on the coding strand, the complement: EPM2A is on the minus strand). VCF-style: chr6-145735349-C-T. GRCh37 (hg19) VCF-style: chr6-146056485-C-T.
Other names: c.150G>A, p.Gly50= (NM_001018041.2, NM_001360057.2, NM_001368130.1); c.-520G>A (NM_001360071.2); c.-474G>A (NM_001368129.2); c.-218G>A (NM_001368131.1); c.-114+559G>A (NM_001360064.2).
Identifiers: ClinVar variation 513367 (VCV000513367.3), dbSNP rs1172438064, ClinGen allele CA452726335.
Genomic context (GRCh38, chr6:145,735,349, plus strand): 5'-CTCCTCGGCCGCCAGCTCCACCTCCCCGAGCCACAGGCCCGGCTCCTGCAGGGCCAGGGC[C>T]CCGTCGCCCGCCGCGGTGCCGGCCGGCCTCAGGCGGACGGCACCGCGCGGCTCCCAACGC-3'
Protein context (NP_005661.1, residues 40-60): LRPAGTAAGD[Gly50=]ALALQEPGLW

ClinVar aggregate classification (germline): Likely benign. Review status: criteria provided, multiple submitters, no conflicts (2 of 4 stars). 2 submissions from 2 submitters: Likely benign (2). Last evaluated 2024-12-19.

Conditions:
Progressive myoclonic epilepsy. Also called: Familial progressive myoclonic epilepsy; Myoclonic Epilepsies, Progressive; Progressive myoclonus epilepsy; Myoclonus epilepsy. Identifiers: Orphanet 308, Orphanet 98261, MedGen C0751778, MONDO:0020074.

Allele frequency attached by ClinVar (database versions not stated): gnomAD exomes below 0.00001.
gnomAD v4.1: 1 of 1,331,692 alleles (0.000075%); highest among the groups gnomAD compares: Non-Finnish European, 0.000096%; no homozygotes.

Submissions (2):

Labcorp Genetics (formerly Invitae), Labcorp
Classification: Likely benign for Progressive myoclonic epilepsy. Last evaluated: 2024-12-19. Review status: criteria provided, single submitter. Criteria: Invitae Variant Classification Sherloc (09022015). Collection method: clinical testing. Allele origin: germline.

GeneDx
Classification: Likely benign. Last evaluated: 2017-11-15. Review status: criteria provided, single submitter. Criteria: GeneDx Variant Classification (06012015). Collection method: clinical testing. Allele origin: germline. Affected: yes.
Comment: This variant is considered likely benign or benign based on one or more of the following criteria: it is a conservative change, it occurs at a poorly conserved position in the protein, it is predicted to be benign by multiple in silico algorithms, and/or has population frequency not consistent with disease.